The following is an entry in ClinVar:

ClinVar aggregate classification (germline): Uncertain significance (1 of 4 stars; one submission).

Allele frequency attached by ClinVar (database versions not stated): gnomAD exomes below 0.00001.
gnomAD v4.1: 1 of 1,571,238 alleles (0.000064%); highest among the groups gnomAD compares: Non-Finnish European, 0.000086%; no homozygotes.

Submission:

Labcorp Genetics (formerly Invitae), Labcorp
Classification: Uncertain significance. Last evaluated: 2022-09-07. Review status: criteria provided, single submitter. Criteria: Invitae Variant Classification Sherloc (09022015). Collection method: clinical testing. Allele origin: germline.
Comment: In summary, the available evidence is currently insufficient to determine the role of this variant in disease. Therefore, it has been classified as a Variant of Uncertain Significance. Algorithms developed to predict the effect of missense changes on protein structure and function are either unavailable or do not agree on the potential impact of this missense change (SIFT: "Deleterious"; PolyPhen-2: "Benign"; Align-GVGD: "Class C0"). This variant has not been reported in the literature in individuals affected with BCL11B-related conditions. This variant is not present in population databases (gnomAD no frequency). This sequence change replaces serine, which is neutral and polar, with arginine, which is basic and polar, at codon 550 of the BCL11B protein (p.Ser550Arg).

NM_138576.4(BCL11B):c.1650C>G (p.Ser550Arg)

Gene: BCL11B (BCL11 transcription factor B; minus strand). Cytogenetic location: 14q32.2.
Variant type: single nucleotide variant.
Coding change: c.1650C>G on transcript NM_138576.4 (MANE Select); coding-DNA position 1650, C replaced by G.
Protein change: p.Ser550Arg; replaces serine 550 with arginine.
Molecular consequence: missense variant.
Genome position (GRCh38, 1-based): chr14:99,175,186, G>C on the plus strand (C>G on the coding strand, the complement: BCL11B is on the minus strand). VCF-style: chr14-99175186-G-C. GRCh37 (hg19) VCF-style: chr14-99641523-G-C.
Other names: c.1647C>G, p.Ser549Arg (NM_001282237.2); c.1434C>G, p.Ser478Arg (NM_001282238.2); c.1437C>G, p.Ser479Arg (NM_022898.3); short protein forms S550R, S479R, S478R, S549R.
Identifiers: ClinVar variation 2125613 (VCV002125613.4), dbSNP rs2503644079, ClinGen allele CA390934899.